The following is an entry in ClinVar:

NM_001142800.2(EYS):c.232T>C (p.Cys78Arg)

Gene: EYS (EGF-like photoreceptor maintenance factor; minus strand). Cytogenetic location: 6q12.
Variant type: single nucleotide variant.
Coding change: c.232T>C on transcript NM_001142800.2 (MANE Select); coding-DNA position 232, T replaced by C.
Protein change: p.Cys78Arg; replaces cysteine 78 with arginine.
Molecular consequence: missense variant.
Genome position (GRCh38, 1-based): chr6:65,495,179, A>G on the plus strand (T>C on the coding strand, the complement: EYS is on the minus strand). VCF-style: chr6-65495179-A-G. GRCh37 (hg19) VCF-style: chr6-66205072-A-G.
Other names: c.232T>C, p.Cys78Arg (NM_001142801.2, NM_001292009.2, NM_198283.2); short protein forms C78R.
Identifiers: ClinVar variation 2142933 (VCV002142933.2), dbSNP rs759437693, ClinGen allele CA140434977.

ClinVar aggregate classification (germline): Uncertain significance. Review status: criteria provided, multiple submitters, no conflicts (2 of 4 stars). 2 submissions from 2 submitters: Uncertain significance (2). Last evaluated 2022-02-08.

Allele frequency attached by ClinVar (database versions not stated): gnomAD exomes 0.00001; TOPMed 0.00002.
gnomAD v4.1: 12 of 1,614,094 alleles (0.00074%); highest among the groups gnomAD compares: Admixed American, 0.0017%; no homozygotes.

Submissions (2):

Labcorp Genetics (formerly Invitae), Labcorp
Classification: Uncertain significance. Last evaluated: 2022-02-08. Review status: criteria provided, single submitter. Criteria: Invitae Variant Classification Sherloc (09022015). Collection method: clinical testing. Allele origin: germline.
Comment: This sequence change replaces cysteine, which is neutral and slightly polar, with arginine, which is basic and polar, at codon 78 of the EYS protein (p.Cys78Arg). This variant is present in population databases (rs759437693, gnomAD 0.0009%). This variant has not been reported in the literature in individuals affected with EYS-related conditions. Algorithms developed to predict the effect of missense changes on protein structure and function (SIFT, PolyPhen-2, Align-GVGD) all suggest that this variant is likely to be disruptive. In summary, the available evidence is currently insufficient to determine the role of this variant in disease. Therefore, it has been classified as a Variant of Uncertain Significance.

Blueprint Genetics
Classification: Uncertain significance. Last evaluated: 2017-06-18. Review status: criteria provided, single submitter. Criteria: ACMG Guidelines, 2015. Collection method: clinical testing. Allele origin: germline.